The following is an entry in ClinVar:

NM_004006.3(DMD):c.3922-3C>T

Gene: DMD (dystrophin; minus strand). Cytogenetic location: Xp21.1.
Variant type: single nucleotide variant.
Coding change: c.3922-3C>T on transcript NM_004006.3 (MANE Select); 3 bases into the intron before coding-DNA position 3922, C replaced by T.
Molecular consequence: intron variant.
Genome position (GRCh38, 1-based): chrX:32,438,393, G>A on the plus strand (C>T on the coding strand, the complement: DMD is on the minus strand). VCF-style: chrX-32438393-G-A. GRCh37 (hg19) VCF-style: chrX-32456510-G-A.
Other names: c.3898-3C>T (NM_000109.4); c.3910-3C>T (NM_004009.3); c.3553-3C>T (NM_004010.3).
Identifiers: ClinVar variation 191243 (VCV000191243.7), dbSNP rs786205603, ClinGen allele CA236339.

ClinVar aggregate classification (germline): Uncertain significance. Review status: criteria provided, multiple submitters, no conflicts (2 of 4 stars). 5 submissions from 5 submitters: Uncertain significance (3). 2 of the submissions do not count toward it. Last evaluated 2025-10-01.

Conditions:
Cardiomyopathy (CMYO). Also called: Cardiomyopathies. Identifiers: Orphanet 167848, MedGen C0878544, MONDO:0004994, HP:0001638. Inheritance: Various modes of inheritance.
Duchenne muscular dystrophy (DMD). Also called: MUSCULAR DYSTROPHY, PSEUDOHYPERTROPHIC PROGRESSIVE, DUCHENNE TYPE; Duchenne Muscular Dystrophy (DMD). Identifiers: Orphanet 98896, MedGen C0013264, MONDO:0010679, OMIM 310200.
Dystrophin deficiency.
Becker muscular dystrophy (BMD). Also called: Becker Muscular Dystrophy (BMD); MUSCULAR DYSTROPHY, PSEUDOHYPERTROPHIC PROGRESSIVE, BECKER TYPE. Identifiers: Orphanet 98895, MedGen C0917713, MONDO:0010311, OMIM 300376.

Allele frequency attached by ClinVar (database versions not stated): gnomAD exomes 0.00001.
gnomAD v4.1: 12 of 1,210,401 alleles (0.00099%); highest among the groups gnomAD compares: Non-Finnish European, 0.0013%; no homozygotes.

Submissions (5):

Labcorp Genetics (formerly Invitae), Labcorp
Classification: Uncertain significance for Duchenne muscular dystrophy. Last evaluated: 2025-10-01. Review status: criteria provided, single submitter. Criteria: Invitae Variant Classification Sherloc (09022015). Collection method: clinical testing. Allele origin: germline.
Comment: This sequence change falls in intron 28 of the DMD gene. It does not directly change the encoded amino acid sequence of the DMD protein. It affects a nucleotide within the consensus splice site. This variant is not present in population databases (gnomAD no frequency). This variant has not been reported in the literature in individuals affected with DMD-related conditions. ClinVar contains an entry for this variant (Variation ID: 191243). Variants that disrupt the consensus splice site are a relatively common cause of aberrant splicing (PMID: 17576681, 9536098). Algorithms developed to predict the effect of sequence changes on RNA splicing suggest that this variant is not likely to affect RNA splicing. In summary, the available evidence is currently insufficient to determine the role of this variant in disease. Therefore, it has been classified as a Variant of Uncertain Significance.

Blueprint Genetics
Classification: Uncertain significance. Last evaluated: 2024-11-05. Review status: criteria provided, single submitter. Criteria: ACMG Guidelines, 2015. Collection method: clinical testing. Allele origin: germline.

Women's Health and Genetics/Laboratory Corporation of America, LabCorp
Classification: Uncertain significance. Last evaluated: 2019-02-21. Review status: criteria provided, single submitter. Criteria: LabCorp Variant Classification Summary - May 2015. Collection method: clinical testing. Allele origin: germline.
Comment: Variant summary: DMD c.3922-3C>T alters a conserved nucleotide located close to a canonical splice site and therefore could affect mRNA splicing, leading to a significantly altered protein sequence. 5/5 computational tools predict no significant impact on normal splicing. However, these predictions have yet to be confirmed by functional studies. The variant was absent in 177050 control chromosomes (gnomAD). The available data on variant occurrences in the general population are insufficient to allow any conclusion about variant significance. To our knowledge, no occurrence of c.3922-3C>T in individuals affected with Dystrophinopathies and no experimental evidence demonstrating its impact on protein function have been reported. No clinical diagnostic laboratories have submitted clinical-significance assessments for this variant to ClinVar after 2014. Based on the evidence outlined above, the variant was classified as uncertain significance.

Natera, Inc.
Classification: Uncertain significance for Becker muscular dystrophy; Cardiomyopathy; Duchenne muscular dystrophy; Dystrophin deficiency. Last evaluated: 2020-09-23. Review status: no assertion criteria provided. Collection method: clinical testing. Allele origin: germline. Not counted in ClinVar's aggregate classification.

Genomic Medicine Center of Excellence, King Faisal Specialist Hospital and Research Centre
Classification: Likely pathogenic. Review status: flagged submission. Criteria: ACMG Guidelines, 2015. Collection method: research. Allele origin: germline. Affected: yes. Not counted in ClinVar's aggregate classification.
ClinVar note: Reason: Outlier claim with insufficient supporting evidence

Literature cited by the submitters: PubMed 17576681 (cited by Labcorp Genetics (formerly Invitae), Labcorp); PubMed 9536098 (cited by Labcorp Genetics (formerly Invitae), Labcorp).